The following is an entry in ClinVar:

NM_016239.4(MYO15A):c.1318del (p.Asp440fs)

Gene: MYO15A (myosin XVA; plus strand). Cytogenetic location: 17p11.2.
Variant type: Deletion.
Coding change: c.1318del on transcript NM_016239.4 (MANE Select); coding-DNA position 1318, one base deleted (G; older notation c.1318delG).
Protein change: p.Asp440fs; shifts the reading frame from aspartic acid 440.
Molecular consequence: frameshift variant.
Genome position (GRCh38, 1-based): chr17:18,120,118, G deleted; the last of 2 consecutive G bases (chr17:18,120,117-18,120,118); deleting either gives the same sequence. VCF-style (leftmost placement, unchanged base first): chr17-18120116-AG-A. GRCh37 (hg19) VCF-style: chr17-18023430-AG-A.
Other names: c.1318delG (NM_016239.3); short protein forms D440fs.
Identifiers: ClinVar variation 2149880 (VCV002149880.3), dbSNP rs1231691192, ClinGen allele CA726636936.

ClinVar aggregate classification (germline): Pathogenic/Likely pathogenic. Review status: criteria provided, multiple submitters, no conflicts (2 of 4 stars). 3 submissions from 3 submitters: Pathogenic (1); Likely pathogenic (2). Last evaluated 2024-04-12.

Conditions:
MYO15A-related disorder. Also called: MYO15A-related condition.
Autosomal recessive nonsyndromic hearing loss 3. Also called: NEUROSENSORY NONSYNDROMIC RECESSIVE DEAFNESS 3. Identifiers: Orphanet 90636, MedGen C1838263, MONDO:0010860, OMIM 600316.

Submissions (3):

Fulgent Genetics
Classification: Likely pathogenic for Autosomal recessive nonsyndromic hearing loss 3. Last evaluated: 2024-04-12. Review status: criteria provided, single submitter. Criteria: ACMG Guidelines, 2015. Collection method: clinical testing. Allele origin: germline.

PreventionGenetics, part of Exact Sciences
Classification: Likely pathogenic for MYO15A-related condition. Last evaluated: 2023-08-04. Review status: criteria provided, single submitter. Criteria: ACMG Guidelines, 2015. Collection method: clinical testing. Allele origin: germline.
Comment: The MYO15A c.1318delG variant is predicted to result in a frameshift and premature protein termination (p.Asp440Thrfs*4). To our knowledge, this variant has not been previously reported in the literature. This variant has not been reported in a large population database, indicating this variant is rare. Frameshift variants in MYO15A are expected to be pathogenic. This variant is interpreted as likely pathogenic.

Labcorp Genetics (formerly Invitae), Labcorp
Classification: Pathogenic. Last evaluated: 2022-09-13. Review status: criteria provided, single submitter. Criteria: Invitae Variant Classification Sherloc (09022015). Collection method: clinical testing. Allele origin: germline.
Comment: This sequence change creates a premature translational stop signal (p.Asp440Thrfs*4) in the MYO15A gene. It is expected to result in an absent or disrupted protein product. Loss-of-function variants in MYO15A are known to be pathogenic (PMID: 17546645). This variant is not present in population databases (gnomAD no frequency). This variant has not been reported in the literature in individuals affected with MYO15A-related conditions. For these reasons, this variant has been classified as Pathogenic.

Literature cited by the submitters: PubMed 17546645 (cited by Labcorp Genetics (formerly Invitae), Labcorp).